The following is an entry in ClinVar:

ClinVar aggregate classification (germline): Pathogenic (1 of 4 stars; one submission).

Conditions:
Breast-ovarian cancer, familial, susceptibility to, 2 (BROVCA2). Also called: BRCA2 Hereditary Breast and Ovarian Cancer. Identifiers: Orphanet 145, MedGen C2675520, MONDO:0012933, OMIM 612555. Disease mechanism: loss of function.

Submission:

Myriad Genetics, Inc.
Classification: Pathogenic for Breast-ovarian cancer, familial, susceptibility to, 2. Last evaluated: 2024-12-31. Review status: criteria provided, single submitter. Criteria: Myriad Autosomal Dominant, Autosomal Recessive and X-Linked Classification Criteria (2023). Collection method: clinical testing. Allele origin: unknown.
Comment: This variant is considered pathogenic. This variant creates a termination codon and is predicted to result in premature protein truncation.

NM_000059.4(BRCA2):c.8786del (p.Ala2928_Leu2929insTer)

Gene: BRCA2 (BRCA2 DNA repair associated; plus strand). Cytogenetic location: 13q13.1.
Variant type: Deletion.
Coding change: c.8786del on transcript NM_000059.4 (MANE Select); coding-DNA position 8786, one base deleted (T; older notation c.8786delT).
Protein change: p.Ala2928_Leu2929insTer.
Molecular consequence: nonsense. On other transcripts: non-coding transcript variant (1).
Genome position (GRCh38, 1-based): chr13:32,379,348, T deleted; the last of 2 consecutive T bases (chr13:32,379,347-32,379,348); deleting either gives the same sequence. VCF-style (leftmost placement, unchanged base first): chr13-32379346-CT-C. GRCh37 (hg19) VCF-style: chr13-32953483-CT-C.
Other names: c.8690del, p.Ala2896_Leu2897insTer (NM_001406719.1); c.8786del, p.Ala2928_Leu2929insTer (NM_001406720.1, NM_001432077.1); c.3854del, p.Ala1284_Leu1285insTer (NM_001406721.1); c.2369del, p.Ala789_Leu790insTer (NM_001406722.1).
Identifiers: ClinVar variation 3904693 (VCV003904693.1).